The following is an entry in ClinVar:

NM_001018115.3(FANCD2):c.2048T>C (p.Leu683Pro)

Genes: FANCD2 (FA complementation group D2; plus strand), LOC107303338 (3p25 FANCD2 Alu-mediated recombination region; plus strand). Cytogenetic location: 3p25.3.
Variant type: single nucleotide variant.
Coding change: c.2048T>C on transcript NM_001018115.3 (MANE Select); coding-DNA position 2048, T replaced by C.
Protein change: p.Leu683Pro; replaces leucine 683 with proline.
Molecular consequence: missense variant.
Genome position (GRCh38, 1-based): chr3:10,064,755, T>C. VCF-style: chr3-10064755-T-C. GRCh37 (hg19) VCF-style: chr3-10106439-T-C.
Other names: c.2048T>C, p.Leu683Pro (NM_001319984.2, NM_001374254.1, NM_033084.6); c.1937T>C, p.Leu646Pro (NM_001374253.1); short protein forms L646P, L683P.
Identifiers: ClinVar variation 3339218 (VCV003339218.1).

ClinVar aggregate classification (germline): Uncertain significance (1 of 4 stars; one submission).

gnomAD v4.1: 11 of 1,614,168 alleles (0.00068%); highest among the groups gnomAD compares: African/African-American, 0.0013%; no homozygotes.

Submission:

Women's Health and Genetics/Laboratory Corporation of America, LabCorp
Classification: Uncertain significance. Last evaluated: 2024-07-02. Review status: criteria provided, single submitter. Criteria: LabCorp Variant Classification Summary - May 2015. Collection method: clinical testing. Allele origin: germline.
Comment: Variant summary: FANCD2 c.2048T>C (p.Leu683Pro) results in a non-conservative amino acid change in the encoded protein sequence. Four of five in-silico tools predict a damaging effect of the variant on protein function. The variant allele was found at a frequency of 4e-06 in 251450 control chromosomes. c.2048T>C has been reported in the literature as a compound heterozygous genotype in one individual and as a heterozygous genotype with unknown second allele in another individual both of whom were affected with Fanconi Anemia (Zhang_2015, Altintas_2022). At least one publication reports experimental evidence evaluating an impact on protein function. The most pronounced variant effect results in nearly absent levels of FANCD2 protein in patient-derived fibroblasts from an individual who harbored a null allele in trans (Zhang_2015). However, the data as presented does not allow convincing conclusions about the specific variant effect. The following publications have been ascertained in the context of this evaluation (PMID: 35417938, 25239263). No submitters have cited clinical-significance assessments for this variant to ClinVar. Based on the evidence outlined above, the variant was classified as uncertain significance.

Literature cited by the submitters: PubMed 25239263; PubMed 35417938.